The following is an entry in ClinVar:

ClinVar aggregate classification (germline): Pathogenic (1 of 4 stars; one submission).

Conditions:
Charcot-Marie-Tooth disease axonal type 2S. Also called: CHARCOT-MARIE-TOOTH DISEASE, AXONAL, AUTOSOMAL RECESSIVE, TYPE 2S; CHARCOT-MARIE-TOOTH NEUROPATHY, TYPE 2S. Identifiers: Orphanet 443073, MedGen C4015349, MONDO:0014511, OMIM 616155.
Autosomal recessive distal spinal muscular atrophy 1. Also called: SEVERE INFANTILE AXONAL NEUROPATHY WITH RESPIRATORY FAILURE; SPINAL MUSCULAR ATROPHY, DIAPHRAGMATIC; NEURONOPATHY, DISTAL HEREDITARY MOTOR, HARDING TYPE VI; NEUROPATHY, DISTAL HEREDITARY MOTOR, AUTOSOMAL RECESSIVE 1; NEURONOPATHY, SEVERE INFANTILE AXONAL, WITH RESPIRATORY FAILURE; Spinal muscular atrophy with respiratory distress 1. Identifiers: Orphanet 98920, MedGen C1858517, MONDO:0011436, OMIM 604320.

Submission:

Labcorp Genetics (formerly Invitae), Labcorp
Classification: Pathogenic for Autosomal recessive distal spinal muscular atrophy 1; Charcot-Marie-Tooth disease axonal type 2S. Last evaluated: 2021-08-06. Review status: criteria provided, single submitter. Criteria: Invitae Variant Classification Sherloc (09022015). Collection method: clinical testing. Allele origin: germline.
Comment: This variant is a gross deletion of the genomic region encompassing exon(s) 6 of the IGHMBP2 gene. This variant would be expected to be in-frame, preserving the integrity of the reading frame. This variant has not been reported in the literature in individuals affected with IGHMBP2-related conditions. This variant disrupts a region of the IGHMBP2 protein in which other variant(s) (p.Arg264Leu) have been determined to be pathogenic (Invitae). This suggests that this is a clinically significant region of the protein, and that variants that disrupt it are likely to be disease-causing. For these reasons, this variant has been classified as Pathogenic.

NC_000011.9:g.(?_68682271)_(68682511_?)del

Gene: IGHMBP2 (immunoglobulin mu DNA binding protein 2; plus strand). Cytogenetic location: 11q13.3.
Variant type: Deletion.
Identifiers: ClinVar variation 2424365 (VCV002424365.4).